The following is an entry in ClinVar:

ClinVar aggregate classification (germline): Conflicting classifications of pathogenicity. Review status: criteria provided, conflicting classifications (1 of 4 stars). 2 submissions from 2 submitters: Uncertain significance (1); Likely benign (1). Last evaluated 2025-07-01.

Allele frequency attached by ClinVar (database versions not stated): gnomAD 0.00007; ExAC 0.00008; ESP Exome Variant Server 0.00008; 1000 Genomes Project 30x 0.00016; 1000 Genomes Project 0.00020; TOPMed 0.00003; gnomAD exomes 0.00004.
gnomAD v4.1: 75 of 1,613,748 alleles (0.0046%); highest among the groups gnomAD compares: South Asian, 0.049%; no homozygotes.

Submissions (2):

CeGaT Center for Human Genetics Tuebingen
Classification: Likely benign. Last evaluated: 2025-07-01. Review status: criteria provided, single submitter. Criteria: CeGaT Center For Human Genetics Tuebingen Variant Classification Criteria Version 2. Collection method: clinical testing. Allele origin: germline. Affected: yes. Observed: 1 variant allele.
Comment: TACC2: BP4

Ambry Genetics
Classification: Uncertain significance. Last evaluated: 2023-03-02. Review status: criteria provided, single submitter. Criteria: Ambry Variant Classification Scheme 2023. Collection method: clinical testing. Allele origin: germline.

NM_206862.4(TACC2):c.2050G>A (p.Glu684Lys)

Gene: TACC2 (transforming acidic coiled-coil containing protein 2; plus strand). Cytogenetic location: 10q26.13.
Variant type: single nucleotide variant.
Coding change: c.2050G>A on transcript NM_206862.4 (MANE Select); coding-DNA position 2050, G replaced by A.
Protein change: p.Glu684Lys; replaces glutamic acid 684 with lysine.
Molecular consequence: missense variant. On other transcripts: intron variant (1).
Genome position (GRCh38, 1-based): chr10:122,084,550, G>A. VCF-style: chr10-122084550-G-A. GRCh37 (hg19) VCF-style: chr10-123844065-G-A.
Other names: c.2050G>A, p.Glu684Lys (NM_001291876.2, NM_001291877.2); c.146+34000G>A (NM_206861.3); short protein forms E684K.
Identifiers: ClinVar variation 3173258 (VCV003173258.9), dbSNP rs142091094, ClinGen allele CA5722647.